The following is an entry in ClinVar:

ClinVar aggregate classification (germline): Uncertain significance. Review status: criteria provided, multiple submitters, no conflicts (2 of 4 stars). 3 submissions from 3 submitters: Uncertain significance (3). Last evaluated 2024-02-01.

Conditions:
Noonan syndrome 10 (NS10). Identifiers: Orphanet 648, MedGen C4225280, MONDO:0014693, OMIM 616564.
Noonan syndrome 2 (NS2). Identifiers: Orphanet 648, MedGen C1854469, MONDO:0011531, OMIM 605275.

Allele frequency attached by ClinVar (database versions not stated): gnomAD exomes below 0.00001.

Submissions (3):

Labcorp Genetics (formerly Invitae), Labcorp
Classification: Uncertain significance. Last evaluated: 2024-02-01. Review status: criteria provided, single submitter. Criteria: Invitae Variant Classification Sherloc (09022015). Collection method: clinical testing. Allele origin: germline.
Comment: This sequence change replaces asparagine, which is neutral and polar, with serine, which is neutral and polar, at codon 148 of the LZTR1 protein (p.Asn148Ser). This variant is not present in population databases (gnomAD no frequency). This variant has not been reported in the literature in individuals affected with LZTR1-related conditions. ClinVar contains an entry for this variant (Variation ID: 1712745). Advanced modeling of protein sequence and biophysical properties (such as structural, functional, and spatial information, amino acid conservation, physicochemical variation, residue mobility, and thermodynamic stability) performed at Invitae indicates that this missense variant is not expected to disrupt LZTR1 protein function with a negative predictive value of 80%. In summary, the available evidence is currently insufficient to determine the role of this variant in disease. Therefore, it has been classified as a Variant of Uncertain Significance.

GeneDx
Classification: Uncertain significance. Last evaluated: 2022-04-26. Review status: criteria provided, single submitter. Criteria: GeneDx Variant Classification Process June 2021. Collection method: clinical testing. Allele origin: germline. Affected: yes.
Comment: Not observed at significant frequency in large population cohorts (gnomAD); In silico analysis supports that this missense variant has a deleterious effect on protein structure/function; Has not been previously published as pathogenic or benign to our knowledge

Equipe Genetique des Anomalies du Developpement, Université de Bourgogne
Classification: Uncertain significance for Noonan syndrome 10; Noonan syndrome 2. Last evaluated: 2021-10-12. Review status: criteria provided, single submitter. Criteria: ACMG Guidelines, 2015. Collection method: clinical testing. Allele origin: de novo.

NM_006767.4(LZTR1):c.443A>G (p.Asn148Ser)

Gene: LZTR1 (leucine zipper like post translational regulator 1; plus strand). Cytogenetic location: 22q11.21.
Variant type: single nucleotide variant.
Coding change: c.443A>G on transcript NM_006767.4 (MANE Select); coding-DNA position 443, A replaced by G.
Protein change: p.Asn148Ser; replaces asparagine 148 with serine.
Molecular consequence: missense variant.
Genome position (GRCh38, 1-based): chr22:20,988,052, A>G. VCF-style: chr22-20988052-A-G. GRCh37 (hg19) VCF-style: chr22-21342341-A-G.
Other names: short protein forms N148S.
Identifiers: ClinVar variation 1712745 (VCV001712745.5), dbSNP rs2518613266, ClinGen allele CA410779789.